The following is an entry in ClinVar:

NM_001754.5(RUNX1):c.113_114del (p.Arg38fs)

Gene: RUNX1 (RUNX family transcription factor 1; minus strand). Cytogenetic location: 21q22.12.
Variant type: Deletion.
Coding change: c.113_114del on transcript NM_001754.5 (MANE Select); coding-DNA positions 113 to 114, 2 bases deleted (GC; older notation c.113_114delGC).
Protein change: p.Arg38fs; shifts the reading frame from arginine 38.
Molecular consequence: frameshift variant.
Genome position (GRCh38, 1-based): chr21:34,887,080-34,887,081, GC deleted on the plus strand (GC on the coding strand, the reverse complement: RUNX1 is on the minus strand); deleting any 2 consecutive bases within chr21:34,887,080-34,887,082 gives the same sequence; the c. name uses the placement nearest the transcript's 3' end. VCF-style (leftmost placement, unchanged base first): chr21-34887079-GGC-G. GRCh37 (hg19) VCF-style: chr21-36259376-GGC-G.
Other names: c.113_114delGC (NM_001754.4); c.32_33del, p.Arg11fs (NM_001001890.3, NM_001122607.2); short protein forms R11fs, R38fs.
Identifiers: ClinVar variation 5028556 (VCV005028556.1).

ClinVar aggregate classification (germline): Pathogenic (1 of 4 stars; one submission).

Conditions:
Inborn genetic diseases. Identifiers: MedGen C0950123, MeSH D030342.

Submission:

Ambry Genetics
Classification: Pathogenic for Inborn genetic diseases. Last evaluated: 2026-07-09. Review status: criteria provided, single submitter. Criteria: Ambry Variant Classification Scheme 2023. Collection method: clinical testing. Allele origin: germline.
Comment: The c.113_114delGC pathogenic mutation, located in coding exon 3 of the RUNX1 gene, results from a deletion of two nucleotides at nucleotide positions 113 to 114, causing a translational frameshift with a predicted alternate stop codon (p.R38Pfs*99). This variant is considered to be rare based on population cohorts in the Genome Aggregation Database (gnomAD). This alteration is expected to result in loss of function by premature protein truncation or nonsense-mediated mRNA decay. As such, this alteration is interpreted as a disease-causing mutation.